The following is an entry in ClinVar:

ClinVar aggregate classification (germline): Uncertain significance (1 of 4 stars; one submission).

Conditions:
Inborn genetic diseases. Identifiers: MedGen C0950123, MeSH D030342.

Allele frequency attached by ClinVar (database versions not stated): gnomAD exomes below 0.00001.
gnomAD v4.1: 2 of 1,612,556 alleles (0.00012%); highest among the groups gnomAD compares: Non-Finnish European, 0.00017%; no homozygotes.

Submission:

Ambry Genetics
Classification: Uncertain significance for Inborn genetic diseases. Last evaluated: 2020-11-03. Review status: criteria provided, single submitter. Criteria: Ambry Variant Classification Scheme 2023. Collection method: clinical testing. Allele origin: germline.
Comment: The p.E1716G variant (also known as c.5147A>G), located in coding exon 46 of the KIF1A gene, results from an A to G substitution at nucleotide position 5147. The glutamic acid at codon 1716 is replaced by glycine, an amino acid with similar properties. This amino acid position is highly conserved in available vertebrate species. In addition, the in silico prediction for this alteration is inconclusive. Since supporting evidence is limited at this time, the clinical significance of this alteration remains unclear.

NM_001244008.2(KIF1A):c.5147A>G (p.Glu1716Gly)

Gene: KIF1A (kinesin family member 1A; minus strand). Cytogenetic location: 2q37.3.
Variant type: single nucleotide variant.
Coding change: c.5147A>G on transcript NM_001244008.2 (MANE Select); coding-DNA position 5147, A replaced by G.
Protein change: p.Glu1716Gly; replaces glutamic acid 1716 with glycine.
Molecular consequence: missense variant.
Genome position (GRCh38, 1-based): chr2:240,719,073, T>C on the plus strand (A>G on the coding strand, the complement: KIF1A is on the minus strand). VCF-style: chr2-240719073-T-C. GRCh37 (hg19) VCF-style: chr2-241658490-T-C.
Other names: c.4871A>G, p.Glu1624Gly (NM_001320705.2, NM_001379649.1); c.4898A>G, p.Glu1633Gly (NM_001330289.2); c.4946A>G, p.Glu1649Gly (NM_001330290.2, NM_001379648.1); c.5222A>G, p.Glu1741Gly (NM_001379631.1); c.5123A>G, p.Glu1708Gly (NM_001379632.1); c.5120A>G, p.Glu1707Gly (NM_001379633.1, NM_001379645.1); c.4973A>G, p.Glu1658Gly (NM_001379634.1); c.4970A>G, p.Glu1657Gly (NM_001379635.1, NM_001379646.1); and 7 more; short protein forms E1707G, E1623G, E1649G, E1653G, E1657G, E1716G, E1632G, E1640G.
Identifiers: ClinVar variation 1745638 (VCV001745638.2), dbSNP rs2536593341, ClinGen allele CA351298127.